The following is an entry in ClinVar:

NM_000489.6(ATRX):c.1024T>C (p.Ser342Pro)

Gene: ATRX (ATRX chromatin remodeler; minus strand). Cytogenetic location: Xq21.1.
Variant type: single nucleotide variant.
Coding change: c.1024T>C on transcript NM_000489.6 (MANE Select); coding-DNA position 1024, T replaced by C.
Protein change: p.Ser342Pro; replaces serine 342 with proline.
Molecular consequence: missense variant.
Genome position (GRCh38, 1-based): chrX:77,684,232, A>G on the plus strand (T>C on the coding strand, the complement: ATRX is on the minus strand). VCF-style: chrX-77684232-A-G. GRCh37 (hg19) VCF-style: chrX-76939724-A-G.
Other names: c.910T>C, p.Ser304Pro (NM_138270.5); short protein forms S304P, S342P.
Identifiers: ClinVar variation 1974999 (VCV001974999.5), dbSNP rs2148632169, ClinGen allele CA413719817.

ClinVar aggregate classification (germline): Uncertain significance (1 of 4 stars; one submission).

Conditions:
Alpha thalassemia-X-linked intellectual disability syndrome (ATRX). Also called: ALPHA-THALASSEMIA/MENTAL RETARDATION SYNDROME, X-LINKED; ATR, NONDELETION TYPE; ATR-X syndrome; Alpha thalassemia mental retardation syndrome, nondeletion type, X-linked; XLMR hypotonic face syndrome; X-linked alpha-thalassemia-mental retardation syndrome. Identifiers: Orphanet 847, MedGen C1845055, MONDO:0010519, OMIM 301040.

Submission:

Labcorp Genetics (formerly Invitae), Labcorp
Classification: Uncertain significance for Alpha thalassemia-X-linked intellectual disability syndrome. Last evaluated: 2024-10-15. Review status: criteria provided, single submitter. Criteria: Invitae Variant Classification Sherloc (09022015). Collection method: clinical testing. Allele origin: germline.
Comment: This sequence change replaces serine, which is neutral and polar, with proline, which is neutral and non-polar, at codon 342 of the ATRX protein (p.Ser342Pro). This variant is not present in population databases (gnomAD no frequency). This variant has not been reported in the literature in individuals affected with ATRX-related conditions. ClinVar contains an entry for this variant (Variation ID: 1974999). Invitae Evidence Modeling of protein sequence and biophysical properties (such as structural, functional, and spatial information, amino acid conservation, physicochemical variation, residue mobility, and thermodynamic stability) indicates that this missense variant is not expected to disrupt ATRX protein function with a negative predictive value of 95%. In summary, the available evidence is currently insufficient to determine the role of this variant in disease. Therefore, it has been classified as a Variant of Uncertain Significance.